The following is an entry in ClinVar:

ClinVar aggregate classification (germline): Benign. Review status: criteria provided, multiple submitters, no conflicts (2 of 4 stars). 7 submissions from 7 submitters: Benign (7). Last evaluated 2026-02-01.

Conditions:
Nonsyndromic genetic hearing loss. Also called: Nonsyndromic hearing loss and deafness; Non-syndromic genetic deafness; Nonsyndromic genetic deafness. Identifiers: Orphanet 87884, MedGen C5680182, MONDO:0019497.

Allele frequency attached by ClinVar (database versions not stated): 1000 Genomes Project 30x 0.00734; 1000 Genomes Project 0.00759; TOPMed 0.01099; gnomAD 0.01345 and 0.01363; gnomAD exomes 0.01458 and 0.01897; ExAC 0.01535; ESP Exome Variant Server 0.01561.
gnomAD v4.1: 29,740 of 1,613,704 alleles (1.8%); highest among the groups gnomAD compares: Non-Finnish European, 2.1%; 334 homozygotes.

Submissions (7):

Labcorp Genetics (formerly Invitae), Labcorp
Classification: Benign. Last evaluated: 2026-02-01. Review status: criteria provided, single submitter. Criteria: Invitae Variant Classification Sherloc (09022015). Collection method: clinical testing. Allele origin: germline.

Department of Pathology and Laboratory Medicine, Sinai Health System
Classification: Benign for nonsyndromic genetic hearing loss. Last evaluated: 2023-01-18. Review status: criteria provided, single submitter. Criteria: ACMG Guidelines, 2015. Collection method: research. Allele origin: germline.

Athena Diagnostics
Classification: Benign. Last evaluated: 2018-09-12. Review status: criteria provided, single submitter. Criteria: Athena Diagnostics Criteria. Collection method: clinical testing. Allele origin: germline.

GeneDx
Classification: Benign. Last evaluated: 2017-11-16. Review status: criteria provided, single submitter. Criteria: GeneDx Variant Classification (06012015). Collection method: clinical testing. Allele origin: germline. Affected: yes.
Comment: This variant is considered likely benign or benign based on one or more of the following criteria: it is a conservative change, it occurs at a poorly conserved position in the protein, it is predicted to be benign by multiple in silico algorithms, and/or has population frequency not consistent with disease.

Laboratory for Molecular Medicine, Mass General Brigham Personalized Medicine
Classification: Benign. Last evaluated: 2012-05-07. Review status: criteria provided, single submitter. Criteria: LMM Criteria. Collection method: clinical testing. Allele origin: germline. Observed: 53 variant alleles.
Comment: Arg466Trp in Exon 11 of CCDC50: This variant is not expected to have clinical si gnificance because it has been identified in 2.3% (161/7020) of European America n chromosomes from a broad population by the NHLBI Exome Sequencing Project (dbSNP rs147604673).

Breakthrough Genomics
Classification: Benign. Review status: criteria provided, single submitter. Criteria: ACMG Guidelines, 2015. Collection method: not provided. Allele origin: germline. Inheritance: Autosomal dominant inheritance. Affected: yes.

PreventionGenetics, part of Exact Sciences
Classification: Benign. Review status: criteria provided, single submitter. Criteria: ACMG Guidelines, 2015. Collection method: clinical testing. Allele origin: germline.

NM_178335.3(CCDC50):c.1396C>T (p.Arg466Trp)

Gene: CCDC50 (coiled-coil domain containing 50; plus strand). Cytogenetic location: 3q28.
Variant type: single nucleotide variant.
Coding change: c.1396C>T on transcript NM_178335.3 (MANE Select); coding-DNA position 1396, C replaced by T.
Protein change: p.Arg466Trp; replaces arginine 466 with tryptophan.
Molecular consequence: missense variant.
Genome position (GRCh38, 1-based): chr3:191,389,569, C>T. VCF-style: chr3-191389569-C-T. GRCh37 (hg19) VCF-style: chr3-191107358-C-T.
Other names: c.868C>T, p.Arg290Trp (NM_174908.4); short protein forms R466W, R290W.
Identifiers: ClinVar variation 48152 (VCV000048152.15), dbSNP rs147604673, ClinGen allele CA142710.